The following is an entry in ClinVar:

NM_005896.4(IDH1):c.394C>A (p.Arg132Ser)

Gene: IDH1 (isocitrate dehydrogenase (NADP(+)) 1; minus strand). Cytogenetic location: 2q34.
Variant type: single nucleotide variant.
Coding change: c.394C>A on transcript NM_005896.4 (MANE Select); coding-DNA position 394, C replaced by A.
Protein change: p.Arg132Ser; replaces arginine 132 with serine.
Molecular consequence: missense variant.
Genome position (GRCh38, 1-based): chr2:208,248,389, G>T on the plus strand (C>A on the coding strand, the complement: IDH1 is on the minus strand). VCF-style: chr2-208248389-G-T. GRCh37 (hg19) VCF-style: chr2-209113113-G-T.
Other names: NC_000002.11:g.209113113G>T; c.394C>A, p.Arg132Ser (NM_001282386.1, NM_001282387.1); short protein forms R132S.
Identifiers: ClinVar variation 375893 (VCV000375893.26), dbSNP rs121913499, ClinGen allele CA16602376.

ClinVar aggregate classification (germline): Pathogenic (1 of 4 stars; one submission).
ClinVar aggregate classification (somatic clinical impact): Tier II - Potential (1 of 4 stars; one submission).
ClinVar aggregate classification (oncogenicity): Oncogenic (1 of 4 stars; one submission).

Conditions:
Medulloblastoma SHH activated. Identifiers: MedGen C4330671, MONDO:0850197.
Neoplasm. Also called: tumor; Neoplasms; Neoplasm (disease). Identifiers: MedGen C0027651, MeSH D009369, MONDO:0005070, HP:0002664.

Submissions (6):

Center for Genomic Medicine, Rigshospitalet, Copenhagen University Hospital
Classification: Oncogenic for Neoplasm. Last evaluated: 2025-03-04. Review status: criteria provided, single submitter. Criteria: ClinGen/CGC/VICC Guidelines for Oncogenicity, 2022. Collection method: clinical testing. Allele origin: somatic. Affected: yes.

Institute for Genomic Medicine (IGM) Clinical Laboratory, Nationwide Children's Hospital
Classification: Tier II - Potential for Medulloblastoma SHH activated. Assertion type: diagnostic. Clinical significance: supports diagnosis. Last evaluated: 2025-01-22. Review status: criteria provided, single submitter. Criteria: AMP/ASCO/CAP Guidelines, 2017. Collection method: clinical testing. Allele origin: somatic. Affected: yes.
Comment: Variant has Tier II (potential) clinical significance as a diagnostic inclusion criterion in medulloblastoma SHH activated, based on the following evidence: 1) Documented in one or more cancer databases (e.g., St. Jude Pecan, COSMIC, CIViC, OncoKB). 2) Information in the literature supports potential biologic effect of variant (PMIDs: 19935646, 23630074). 3) Diagnostic significance based on multiple small studies (Evidence Level C; PMIDs: 24616312, 29971034, 36941703).

CeGaT Center for Human Genetics Tuebingen
Classification: Pathogenic. Last evaluated: 2024-01-01. Review status: criteria provided, single submitter. Criteria: CeGaT Center For Human Genetics Tuebingen Variant Classification Criteria Version 2. Collection method: clinical testing. Allele origin: germline. Affected: yes. Observed: 1 variant allele.
Comment: IDH1: PM1, PM2, PM5, PS4:Moderate, PP3, PS3:Supporting

Dr. Peter K. Rogan Lab, Western University
No classification provided (evidence only). Condition: Acute myeloid leukemia. Review status: no classification provided. Collection method: in vitro. Allele origin: not applicable. Functional consequence: retained intron. Not counted in ClinVar's aggregate classification.

Dr. Peter K. Rogan Lab, Western University
No classification provided (evidence only). Condition: Hepatocellular carcinoma. Review status: no classification provided. Collection method: in vitro. Allele origin: not applicable. Functional consequence: skipped exon, retained intron. Not counted in ClinVar's aggregate classification.

Dr. Peter K. Rogan Lab, Western University
No classification provided (evidence only). Condition: Cholangiocarcinoma. Review status: no classification provided. Collection method: in vitro. Allele origin: not applicable. Functional consequence: retained intron. Not counted in ClinVar's aggregate classification.

Literature cited by the submitters: PubMed 19935646 (cited by Center for Genomic Medicine, Rigshospitalet, Copenhagen University Hospital and Institute for Genomic Medicine (IGM) Clinical Laboratory, Nationwide Children's Hospital); PubMed 21326614 (cited by Center for Genomic Medicine, Rigshospitalet, Copenhagen University Hospital); PubMed 23630074 (cited by Institute for Genomic Medicine (IGM) Clinical Laboratory, Nationwide Children's Hospital); PubMed 24616312 (cited by Institute for Genomic Medicine (IGM) Clinical Laboratory, Nationwide Children's Hospital); PubMed 29971034 (cited by Institute for Genomic Medicine (IGM) Clinical Laboratory, Nationwide Children's Hospital); PubMed 36941703 (cited by Institute for Genomic Medicine (IGM) Clinical Laboratory, Nationwide Children's Hospital).